The following is an entry in ClinVar:

NM_015559.3(SETBP1):c.2493A>C (p.Pro831=)

Gene: SETBP1 (SET binding protein 1; plus strand). Cytogenetic location: 18q12.3.
Variant type: single nucleotide variant.
Coding change: c.2493A>C on transcript NM_015559.3 (MANE Select); coding-DNA position 2493, A replaced by C.
Protein change: p.Pro831=; no amino-acid change (proline 831 retained).
Molecular consequence: synonymous variant.
Genome position (GRCh38, 1-based): chr18:44,951,833, A>C. VCF-style: chr18-44951833-A-C. GRCh37 (hg19) VCF-style: chr18-42531798-A-C.
Other names: c.2493A>C, p.Pro831= (NM_001379141.1, NM_001379142.1, NM_001410862.1).
Identifiers: ClinVar variation 2629818 (VCV002629818.1), dbSNP rs2511472118, ClinGen allele CA503982097.

ClinVar aggregate classification (germline): Uncertain significance (1 of 4 stars; one submission).

Conditions:
SETBP1-related disorder. Also called: SETBP1-related condition; SETBP1-related disorders.

Submission:

PreventionGenetics, part of Exact Sciences
Classification: Uncertain significance for SETBP1-related condition. Last evaluated: 2023-01-03. Review status: criteria provided, single submitter. Criteria: ACMG Guidelines, 2015. Collection method: clinical testing. Allele origin: germline.
Comment: The SETBP1 c.2493A>C variant is not predicted to result in an amino acid change (p.=). However, this variant is predicted to activate aa cryptic splice acceptor site and may alter splicing. To our knowledge, this variant has not been reported in literature or public databases. At this time, the clinical significance of this variant is uncertain due to the absence of conclusive functional and genetic evidence.